The following is an entry in ClinVar:

ClinVar aggregate classification (germline): Benign. Review status: criteria provided, multiple submitters, no conflicts (2 of 4 stars). 6 submissions from 4 submitters: Benign (6). Last evaluated 2021-07-30.

Conditions:
Distal myopathy with anterior tibial onset. Identifiers: Orphanet 178400, MedGen C1847532, MONDO:0011721, OMIM 606768.
Miyoshi muscular dystrophy 1 (MMD1). Identifiers: Orphanet 45448, MedGen C4551973, MONDO:0024545, OMIM 254130.
Autosomal recessive limb-girdle muscular dystrophy type 2B (LGMDR2). Also called: MUSCULAR DYSTROPHY, LIMB-GIRDLE, TYPE 3; Limb-girdle muscular dystrophy, type 2B; Limb-Girdle Muscular Dystrophy Type 2B (LGMD2B); MUSCULAR DYSTROPHY, LIMB-GIRDLE, AUTOSOMAL RECESSIVE 2. Identifiers: Orphanet 268, MedGen C1850889, MONDO:0009676, OMIM 253601.

Allele frequency attached by ClinVar (database versions not stated): gnomAD 0.77107 and 0.77244; ExAC 0.80684; 1000 Genomes Project 0.72804; ESP Exome Variant Server 0.78002; 1000 Genomes Project 30x 0.72595; TOPMed 0.75947; gnomAD exomes 0.80627 and 0.84238.
gnomAD v4.1: 1,328,487 of 1,591,058 alleles (83%); highest among the groups gnomAD compares: Non-Finnish European, 86%; 558,694 homozygotes.

Submissions (6):

Genome-Nilou Lab
Classification: Benign for Autosomal recessive limb-girdle muscular dystrophy type 2B. Last evaluated: 2021-07-30. Review status: criteria provided, single submitter. Criteria: ACMG Guidelines, 2015. Collection method: clinical testing. Allele origin: germline. Affected: no.

Genome-Nilou Lab
Classification: Benign for Distal myopathy with anterior tibial onset. Last evaluated: 2021-07-30. Review status: criteria provided, single submitter. Criteria: ACMG Guidelines, 2015. Collection method: clinical testing. Allele origin: germline. Affected: no.

Genome-Nilou Lab
Classification: Benign for Miyoshi muscular dystrophy 1. Last evaluated: 2021-06-10. Review status: criteria provided, single submitter. Criteria: ACMG Guidelines, 2015. Collection method: clinical testing. Allele origin: germline. Affected: no.

GeneDx
Classification: Benign. Last evaluated: 2018-06-14. Review status: criteria provided, single submitter. Criteria: GeneDx Variant Classification (06012015). Collection method: clinical testing. Allele origin: germline. Affected: yes.
Comment: This variant is considered likely benign or benign based on one or more of the following criteria: it is a conservative change, it occurs at a poorly conserved position in the protein, it is predicted to be benign by multiple in silico algorithms, and/or has population frequency not consistent with disease.

Breakthrough Genomics
Classification: Benign. Review status: criteria provided, single submitter. Criteria: ACMG Guidelines, 2015. Collection method: not provided. Allele origin: germline. Inheritance: Autosomal recessive inheritance. Affected: yes.

PreventionGenetics, part of Exact Sciences
Classification: Benign. Review status: criteria provided, single submitter. Criteria: ACMG Guidelines, 2015. Collection method: clinical testing. Allele origin: germline.

NM_001130987.2(DYSF):c.5785-41C>T

Gene: DYSF (dysferlin; plus strand). Cytogenetic location: 2p13.2.
Variant type: single nucleotide variant.
Coding change: c.5785-41C>T on transcript NM_001130987.2 (MANE Select); 41 bases into the intron before coding-DNA position 5785, C replaced by T.
Molecular consequence: intron variant.
Genome position (GRCh38, 1-based): chr2:71,674,156, C>T. VCF-style: chr2-71674156-C-T. GRCh37 (hg19) VCF-style: chr2-71901286-C-T.
Other names: c.5761-41C>T (NM_001130979.2); c.5782-41C>T (NM_001130981.2); c.5719-41C>T (NM_001130980.2); c.5731-41C>T (NM_001130978.2); c.5668-41C>T (NM_003494.4); c.5689-41C>T (NM_001130977.2); c.5626-41C>T (NM_001130976.2); c.5764-41C>T (NM_001130982.2); and 5 more.
Identifiers: ClinVar variation 259082 (VCV000259082.7), dbSNP rs2559081, ClinGen allele CA1707499.